The following is an entry in ClinVar:

ClinVar aggregate classification (germline): Pathogenic/Likely pathogenic. Review status: criteria provided, multiple submitters, no conflicts (2 of 4 stars). 6 submissions from 6 submitters: Pathogenic (4); Likely pathogenic (1). 1 of the submissions does not count toward it. Last evaluated 2025-08-20.

Conditions:
Patterned macular dystrophy 1. Also called: MACULAR DYSTROPHY, BUTTERFLY-SHAPED PIGMENTARY; BUTTERFLY DYSTROPHY OF RETINAL PIGMENT EPITHELIUM. Identifiers: Orphanet 99001, MedGen C4551999, MONDO:0008210, OMIM 169150.
Retinal dystrophy. Also called: Inherited retinal dystrophy. Identifiers: Orphanet 71862, MedGen C0854723, MeSH D058499, MONDO:0019118, HP:0000556.
Patterned dystrophy of the retinal pigment epithelium (MDPT1). Identifiers: Orphanet 63454, MedGen C1868569, MONDO:0018973.
PRPH2-related disorder. Also called: PRPH2-related condition; PRPH2-related disorders. Identifiers: MedGen CN239395.

gnomAD v4.1: 2 of 1,614,132 alleles (0.00012%); highest among the groups gnomAD compares: Non-Finnish European, 0.00017%; no homozygotes.

Submissions (6):

Labcorp Genetics (formerly Invitae), Labcorp
Classification: Pathogenic for PRPH2-related disorder. Last evaluated: 2025-08-20. Review status: criteria provided, single submitter. Criteria: Invitae Variant Classification Sherloc (09022015). Collection method: clinical testing. Allele origin: germline.
Comment: This sequence change creates a premature translational stop signal (p.Arg195*) in the PRPH2 gene. It is expected to result in an absent or disrupted protein product. Loss-of-function variants in PRPH2 are known to be pathogenic (PMID: 8111389, 8485575, 8485576, 8675410, 16916875, 17504850, 22863181, 25675413, 26061163, 27365499, 29555955, 33546218). This variant is present in population databases (no rsID available, gnomAD 0.0009%). This premature translational stop signal has been observed in individual(s) with PRPH2-related conditions (PMID: 25082885). ClinVar contains an entry for this variant (Variation ID: 973722). For these reasons, this variant has been classified as Pathogenic.

GeneDx
Classification: Pathogenic. Last evaluated: 2023-05-15. Review status: criteria provided, single submitter. Criteria: GeneDx Variant Classification Process June 2021. Collection method: clinical testing. Allele origin: germline. Affected: yes.
Comment: Nonsense variant predicted to result in protein truncation or nonsense mediated decay in a gene for which loss of function is a known mechanism of disease; Not observed at significant frequency in large population cohorts (gnomAD); This variant is associated with the following publications: (PMID: 25082885, 34411390, 32531846)

MGZ Medical Genetics Center
Classification: Pathogenic for Patterned macular dystrophy 1. Last evaluated: 2022-07-11. Review status: criteria provided, single submitter. Criteria: ACMG Guidelines, 2015. Collection method: clinical testing. Allele origin: germline. Affected: yes. Observed: 1 variant allele.
Comment: ACMG criteria applied: PVS1, PS4_SUP, PM2_SUP

NEI Ophthalmic Genomics Laboratory, National Institutes of Health
Classification: Likely pathogenic for Patterned dystrophy of the retinal pigment epithelium. Last evaluated: 2020-01-07. Review status: criteria provided, single submitter. Criteria: ACMG Guidelines, 2015. Collection method: clinical testing. Allele origin: germline. Affected: yes.
Comment: The variant NM_000322.4:c.583C>T in the PRPH2 gene has been previously studied(PMID 25082885). This variant is listed in dbSNP and/or HGMD (CM149323). It is present in gnomAD browser (AF 0.00000407). This variant is not already listed in ClinVar. It is not enriched in the PRPH2 disease cohort. We invoked ACMG criteria [PVS1, PM2] and classified NM_000322.4:c.583C>T in the PRPH2 gene as a Likely Pathogenic mutation.

Institute of Human Genetics, Univ. Regensburg, Univ. Regensburg
Classification: Pathogenic for Retinal dystrophy. Last evaluated: 2019-01-01. Review status: criteria provided, single submitter. Criteria: ACMG Guidelines, 2015. Collection method: clinical testing. Allele origin: germline. Affected: yes.

Leiden Open Variation Database
Classification: Pathogenic. Last evaluated: 2021-04-06. Review status: no assertion criteria provided. Collection method: curation. Allele origin: germline. Affected: yes. Not counted in ClinVar's aggregate classification.
Comment: Curator: Global Variome, with Curator vacancy. Submitter to LOVD: Manon Peeters.

Literature cited by the submitters: PubMed 8111389 (cited by Labcorp Genetics (formerly Invitae), Labcorp); PubMed 8485575 (cited by Labcorp Genetics (formerly Invitae), Labcorp); PubMed 8485576 (cited by Labcorp Genetics (formerly Invitae), Labcorp); PubMed 8675410 (cited by Labcorp Genetics (formerly Invitae), Labcorp); PubMed 16916875 (cited by Labcorp Genetics (formerly Invitae), Labcorp); PubMed 17504850 (cited by Labcorp Genetics (formerly Invitae), Labcorp); PubMed 22863181 (cited by Labcorp Genetics (formerly Invitae), Labcorp); PubMed 25675413 (cited by Labcorp Genetics (formerly Invitae), Labcorp); PubMed 26061163 (cited by Labcorp Genetics (formerly Invitae), Labcorp); PubMed 27365499 (cited by Labcorp Genetics (formerly Invitae), Labcorp); PubMed 29555955 (cited by Labcorp Genetics (formerly Invitae), Labcorp); PubMed 33546218 (cited by Labcorp Genetics (formerly Invitae), Labcorp); PubMed 25082885 (cited by 3 submitters); PubMed 31964843 (cited by Institute of Human Genetics, Univ. Regensburg, Univ. Regensburg); PubMed 34411390 (cited by Institute of Human Genetics, Univ. Regensburg, Univ. Regensburg); PubMed 35260635 (cited by Institute of Human Genetics, Univ. Regensburg, Univ. Regensburg); PubMed 36819107 (cited by Institute of Human Genetics, Univ. Regensburg, Univ. Regensburg); PubMed 32531846 (cited by Leiden Open Variation Database).

NM_000322.5(PRPH2):c.583C>T (p.Arg195Ter)

Gene: PRPH2 (peripherin 2; minus strand). Cytogenetic location: 6p21.1.
Variant type: single nucleotide variant.
Coding change: c.583C>T on transcript NM_000322.5 (MANE Select); coding-DNA position 583, C replaced by T.
Protein change: p.Arg195Ter; replaces arginine 195 with a stop codon.
Molecular consequence: nonsense.
Genome position (GRCh38, 1-based): chr6:42,704,610, G>A on the plus strand (C>T on the coding strand, the complement: PRPH2 is on the minus strand). VCF-style: chr6-42704610-G-A. GRCh37 (hg19) VCF-style: chr6-42672348-G-A.
Other names: short protein forms R195*.
Identifiers: ClinVar variation 973722 (VCV000973722.14), dbSNP rs1322278463, ClinGen allele CA364135882.